The following is an entry in ClinVar:

ClinVar aggregate classification (germline): Uncertain significance. Review status: criteria provided, multiple submitters, no conflicts (2 of 4 stars). 2 submissions from 2 submitters: Uncertain significance (2). Last evaluated 2025-11-13.

Conditions:
CYP21A2-related disorder. Also called: CYP21A2-related condition.

Submissions (2):

Women's Health and Genetics/Laboratory Corporation of America, LabCorp
Classification: Uncertain significance. Last evaluated: 2025-11-13. Review status: criteria provided, single submitter. Criteria: LabCorp Variant Classification Summary - May 2015. Collection method: clinical testing. Allele origin: germline.
Comment: Variant summary: CYP21A2 c.204_212dupTGTGGTGGT (p.Val69_Val71dup) results in an in-frame duplication that is predicted to duplicate three amino acids into the encoded protein. Consensus agreement among computation tools predict no significant impact on normal splicing. However, these predictions have yet to be confirmed by functional studies. The variant was absent in 177542 control chromosomes. The available data on variant occurrences in the general population are insufficient to allow any conclusion about variant significance. c.204_212dupTGTGGTGGT has been observed in an infant affected with Congenital Adrenal Hyperplasia (Dubey_2009). These data do not allow any conclusion about variant significance. To our knowledge, no experimental evidence demonstrating an impact on protein function has been reported. The following publication has been ascertained in the context of this evaluation (PMID: 19272182). No submitters have cited clinical-significance assessments for this variant to ClinVar. Based on the evidence outlined above, the variant was classified as uncertain significance.

PreventionGenetics, part of Exact Sciences
Classification: Uncertain significance for CYP21A2-related condition. Last evaluated: 2025-08-25. Review status: criteria provided, single submitter. Criteria: ACMG Guidelines, 2015. Collection method: clinical testing. Allele origin: germline.
Comment: The CYP21A2 c.204_212dup9 variant is predicted to result in an in-frame duplication (p.Val69_Val71dup). This variant has been reported in the compound heterozygous state with a well-documented pathogenic variant c.518T>A (p.Ile173Asn; also known as I172N in the literature) in CYP21A2 in an individual with simple virilizing (SV) form of congenital adrenal hyperplasia (CAH) (Dubey et al. 2009. PubMed ID: 19272182). This variant has not been reported in a large population database (gnomAD), indicating this variant is rare. This variant falls within a highly paralogous region. Allele frequency data should be interpreted with caution. Although we suspect this in-frame duplication variant may be pathogenic, at this time, the clinical significance of this variant is uncertain due to the absence of conclusive functional and genetic evidence.

Literature cited by the submitters: PubMed 19272182 (cited by Women's Health and Genetics/Laboratory Corporation of America, LabCorp).

NM_000500.9(CYP21A2):c.204_212dup (p.Val71_Leu72insValValVal)

Genes: CYP21A2 (cytochrome P450 family 21 subfamily A member 2; plus strand), LOC106780800 (CYP21A2 recombination region; plus strand). Cytogenetic location: 6p21.33.
Variant type: Duplication.
Coding change: c.204_212dup on transcript NM_000500.9 (MANE Select); coding-DNA positions 204 to 212, 9 bases duplicated (TGTGGTGGT; older notation c.204_212dupTGTGGTGGT).
Protein change: p.Val71_Leu72insValValVal.
Molecular consequence: 5 prime UTR variant (on NM_001368143.2). On other transcripts: intron variant (2).
Genome position (GRCh38, 1-based): chr6:32,038,723-32,038,731, TGTGGTGGT duplicated. VCF-style (leftmost placement, unchanged base first): chr6-32038722-A-ATGTGGTGGT. GRCh37 (hg19) VCF-style: chr6-32006499-A-ATGTGGTGGT.
Other names: c.204_212dupTGTGGTGGT (NM_000500.9); c.-221_-213dup (NM_001368143.2); c.-133+99_-133+107dup (NM_001368144.2); c.202+99_202+107dup (NM_001128590.4); c.204_212dup9 (NM_000500.7).
Identifiers: ClinVar variation 4536733 (VCV004536733.2).